The following is an entry in ClinVar:

NM_000059.4(BRCA2):c.7282T>C (p.Leu2428=)

Gene: BRCA2 (BRCA2 DNA repair associated; plus strand). Cytogenetic location: 13q13.1.
Variant type: single nucleotide variant.
Coding change: c.7282T>C on transcript NM_000059.4 (MANE Select); coding-DNA position 7282, T replaced by C.
Protein change: p.Leu2428=; no amino-acid change (leucine 2428 retained).
Molecular consequence: synonymous variant.
Genome position (GRCh38, 1-based): chr13:32,355,135, T>C. VCF-style: chr13-32355135-T-C. GRCh37 (hg19) VCF-style: chr13-32929272-T-C.
Identifiers: ClinVar variation 384096 (VCV000384096.11), dbSNP rs1057521856, ClinGen allele CA16606805.

ClinVar aggregate classification (germline): Likely benign. Review status: criteria provided, multiple submitters, no conflicts (2 of 4 stars). 5 submissions from 5 submitters: Likely benign (5). Last evaluated 2023-06-26.

Conditions:
Hereditary cancer-predisposing syndrome. Also called: Neoplastic Syndromes, Hereditary; Hereditary neoplastic syndrome; Tumor predisposition; Hereditary Cancer Syndrome. Identifiers: Orphanet 140162, MedGen C0027672, MeSH D009386, MONDO:0015356.
Breast-ovarian cancer, familial, susceptibility to, 2 (BROVCA2). Also called: BRCA2 Hereditary Breast and Ovarian Cancer. Identifiers: Orphanet 145, MedGen C2675520, MONDO:0012933, OMIM 612555. Disease mechanism: loss of function.
Hereditary breast ovarian cancer syndrome. Also called: Hereditary breast and ovarian cancer; Breast and ovarian cancer; BRCA1- and BRCA2-Associated Hereditary Breast and Ovarian Cancer; Hereditary breast and ovarian cancer syndrome (HBOC); Hereditary breast and/or ovarian cancer syndrome; Hereditary breast and ovarian cancer syndrome. Identifiers: Orphanet 145, MedGen C0677776, MeSH D061325, MONDO:0003582. Disease mechanism: loss of function.

Submissions (5):

All of Us Research Program, National Institutes of Health
Classification: Likely benign for Breast-ovarian cancer, familial, susceptibility to, 2. Last evaluated: 2023-06-26. Review status: criteria provided, single submitter. Criteria: ACMG Guidelines, 2015. Collection method: clinical testing. Allele origin: germline. Inheritance: Autosomal dominant inheritance. Observed: 1 variant allele, 1 heterozygote.
Comment: This study involves interpretation of variants in research participants for the purpose of population health screening. Participant phenotype was not available at the time of variant classification. Additional details can be found in publication PMID: 35346344, PMCID: PMC8962531

Labcorp Genetics (formerly Invitae), Labcorp
Classification: Likely benign for Hereditary breast ovarian cancer syndrome. Last evaluated: 2021-04-05. Review status: criteria provided, single submitter. Criteria: Invitae Variant Classification Sherloc (09022015). Collection method: clinical testing. Allele origin: germline.

Color Diagnostics, LLC DBA Color Health
Classification: Likely benign for Hereditary cancer-predisposing syndrome. Last evaluated: 2019-02-12. Review status: criteria provided, single submitter. Criteria: ACMG Guidelines, 2015. Collection method: clinical testing. Allele origin: germline.

Ambry Genetics
Classification: Likely benign for Hereditary cancer-predisposing syndrome. Last evaluated: 2016-07-18. Review status: criteria provided, single submitter. Criteria: Ambry Variant Classification Scheme 2023. Collection method: clinical testing. Allele origin: germline.

GeneDx
Classification: Likely benign. Last evaluated: 2016-02-24. Review status: criteria provided, single submitter. Criteria: GeneDx Variant Classification (06012015). Collection method: clinical testing. Allele origin: germline. Affected: yes.
Comment: This variant is considered likely benign or benign based on one or more of the following criteria: it is a conservative change, it occurs at a poorly conserved position in the protein, it is predicted to be benign by multiple in silico algorithms, and/or has population frequency not consistent with disease.